The following is an entry in ClinVar:

ClinVar aggregate classification (germline): Uncertain significance (1 of 4 stars; one submission).

Submission:

Labcorp Genetics (formerly Invitae), Labcorp
Classification: Uncertain significance. Last evaluated: 2024-02-15. Review status: criteria provided, single submitter. Criteria: Invitae Variant Classification Sherloc (09022015). Collection method: clinical testing. Allele origin: germline.
Comment: This sequence change falls in intron 20 of the CLTC gene. It does not directly change the encoded amino acid sequence of the CLTC protein. This variant is not present in population databases (gnomAD no frequency). This variant has not been reported in the literature in individuals affected with CLTC-related conditions. Algorithms developed to predict the effect of sequence changes on RNA splicing suggest that this variant may disrupt the consensus splice site. In summary, the available evidence is currently insufficient to determine the role of this variant in disease. Therefore, it has been classified as a Variant of Uncertain Significance.

NM_004859.4(CLTC):c.3250-5C>G

Gene: CLTC (clathrin heavy chain; plus strand). Cytogenetic location: 17q23.1.
Variant type: single nucleotide variant.
Coding change: c.3250-5C>G on transcript NM_004859.4 (MANE Select); 5 bases into the intron before coding-DNA position 3250, C replaced by G.
Molecular consequence: intron variant.
Genome position (GRCh38, 1-based): chr17:59,681,642, C>G. VCF-style: chr17-59681642-C-G. GRCh37 (hg19) VCF-style: chr17-57759003-C-G.
Other names: c.3262-5C>G (NM_001288653.2).
Identifiers: ClinVar variation 3673235 (VCV003673235.2).